The following is an entry in ClinVar:

NM_001267550.2(TTN):c.48509A>G (p.Asn16170Ser)

Genes: TTN (titin; minus strand), TTN-AS1 (TTN antisense RNA 1; plus strand). Cytogenetic location: 2q31.2.
Variant type: single nucleotide variant.
Coding change: c.48509A>G on transcript NM_001267550.2 (MANE Select); coding-DNA position 48509, A replaced by G.
Protein change: p.Asn16170Ser; replaces asparagine 16170 with serine.
Molecular consequence: missense variant.
Genome position (GRCh38, 1-based): chr2:178,615,436, T>C on the plus strand (A>G on the coding strand, the complement: TTN is on the minus strand). VCF-style: chr2-178615436-T-C. GRCh37 (hg19) VCF-style: chr2-179480163-T-C.
Other names: p.N14529S:AAT>AGT; c.43586A>G, p.Asn14529Ser (NM_001256850.1); c.21314A>G, p.Asn7105Ser (NM_003319.4); c.40805A>G, p.Asn13602Ser (NM_133378.4); c.21689A>G, p.Asn7230Ser (NM_133432.3); c.21890A>G, p.Asn7297Ser (NM_133437.4); short protein forms N14529S, N16170S, N7105S, N13602S, N7230S, N7297S.
Identifiers: ClinVar variation 202667 (VCV000202667.15), dbSNP rs370809363, ClinGen allele CA309923.
Genomic context (GRCh38, chr2:178,615,436, plus strand): 5'-TATCCTTTGATGCGTGAACCACCATCATTTTTAGGTGGATCCCATGTTAAGAAGATGCTA[T>C]TGGCTGTTCGATCTCTCCATTTAACATTCTCTGGTGGGTCAGGTACCGCTACAACATTTG-3'
Protein context (NP_001254479.2, residues 16160-16180): ENVKWRDRTA[Asn16170Ser]SIFLTWDPPK

ClinVar aggregate classification (germline): Conflicting classifications of pathogenicity. Review status: criteria provided, conflicting classifications (1 of 4 stars). 7 submissions from 7 submitters: Uncertain significance (4); Likely benign (3). Last evaluated 2026-05-07.

Conditions:
TTN-related disorder. Also called: TTN-related condition; TTN-related disease; TTN-related disorders.
Dilated cardiomyopathy 1G (CMD1G). Identifiers: Orphanet 154, MedGen C1858763, MONDO:0011400, OMIM 604145.
Autosomal recessive limb-girdle muscular dystrophy type 2J (LGMDR10). Also called: Limb-girdle muscular dystrophy, type 2J; MUSCULAR DYSTROPHY, LIMB-GIRDLE, AUTOSOMAL RECESSIVE 10. Identifiers: Orphanet 140922, MedGen C1837342, MONDO:0012127, OMIM 608807.
Cardiovascular phenotype. Identifiers: MedGen CN230736.
Cardiomyopathy (CMYO). Also called: Cardiomyopathies. Identifiers: Orphanet 167848, MedGen C0878544, MONDO:0004994, HP:0001638. Inheritance: Various modes of inheritance.

Allele frequency attached by ClinVar (database versions not stated): TOPMed 0.00024; gnomAD 0.00026.
gnomAD v4.1: 77 of 1,612,558 alleles (0.0048%); highest among the groups gnomAD compares: African/African-American, 0.08%; no homozygotes.

Submissions (7):

PreventionGenetics, part of Exact Sciences
Classification: Uncertain significance for TTN-related condition. Last evaluated: 2026-05-07. Review status: criteria provided, single submitter. Criteria: ACMG Guidelines, 2015. Collection method: clinical testing. Allele origin: germline.
Comment: The TTN c.48509A>G variant is predicted to result in the amino acid substitution p.Asn16170Ser. To our knowledge, this variant has not been reported in the literature. This variant is reported in 0.070% of alleles in individuals of African descent in gnomAD. Although we suspect that this variant may be benign, at this time, the clinical significance of this variant is uncertain due to the absence of conclusive functional and genetic evidence.

Women's Health and Genetics/Laboratory Corporation of America, LabCorp
Classification: Uncertain significance. Last evaluated: 2022-05-07. Review status: criteria provided, single submitter. Criteria: LabCorp Variant Classification Summary - May 2015. Collection method: clinical testing. Allele origin: germline.

CHEO Genetics Diagnostic Laboratory, Children's Hospital of Eastern Ontario
Classification: Likely benign for Cardiomyopathy. Last evaluated: 2021-11-15. Review status: criteria provided, single submitter. Criteria: ACMG Guidelines, 2015. Collection method: clinical testing. Allele origin: germline. Study: Canadian Open Genetics Repository.

GeneDx
Classification: Likely benign. Last evaluated: 2020-10-08. Review status: criteria provided, single submitter. Criteria: GeneDx Variant Classification Process June 2021. Collection method: clinical testing. Allele origin: germline. Affected: yes.

Ambry Genetics
Classification: Likely benign for Cardiovascular phenotype. Last evaluated: 2019-10-07. Review status: criteria provided, single submitter. Criteria: Ambry Variant Classification Scheme 2023. Collection method: clinical testing. Allele origin: germline.

Revvity Omics, Revvity
Classification: Uncertain significance. Last evaluated: 2019-06-26. Review status: criteria provided, single submitter. Criteria: ACMG Guidelines, 2015. Collection method: clinical testing. Allele origin: germline.

Labcorp Genetics (formerly Invitae), Labcorp
Classification: Uncertain significance for Dilated cardiomyopathy 1G; Autosomal recessive limb-girdle muscular dystrophy type 2J. Last evaluated: 2016-12-17. Review status: criteria provided, single submitter. Criteria: Invitae Variant Classification Sherloc (09022015). Collection method: clinical testing. Allele origin: germline.